The following is an entry in ClinVar:

ClinVar aggregate classification (germline): Uncertain significance (1 of 4 stars; one submission).

Submission:

Labcorp Genetics (formerly Invitae), Labcorp
Classification: Uncertain significance. Last evaluated: 2021-11-16. Review status: criteria provided, single submitter. Criteria: Invitae Variant Classification Sherloc (09022015). Collection method: clinical testing. Allele origin: germline.
Comment: This sequence change replaces methionine, which is neutral and non-polar, with threonine, which is neutral and polar, at codon 1411 of the LTBP2 protein (p.Met1411Thr). This variant is present in population databases (rs578210394, gnomAD 0.0009%). This variant has not been reported in the literature in individuals affected with LTBP2-related conditions. Algorithms developed to predict the effect of missense changes on protein structure and function are either unavailable or do not agree on the potential impact of this missense change (SIFT: "Deleterious"; PolyPhen-2: "Benign"; Align-GVGD: "Class C0"). In summary, the available evidence is currently insufficient to determine the role of this variant in disease. Therefore, it has been classified as a Variant of Uncertain Significance.

NM_000428.3(LTBP2):c.4232T>C (p.Met1411Thr)

Gene: LTBP2 (latent transforming growth factor beta binding protein 2; minus strand). Cytogenetic location: 14q24.3.
Variant type: single nucleotide variant.
Coding change: c.4232T>C on transcript NM_000428.3 (MANE Select); coding-DNA position 4232, T replaced by C.
Protein change: p.Met1411Thr; replaces methionine 1411 with threonine.
Molecular consequence: missense variant.
Genome position (GRCh38, 1-based): chr14:74,505,120, A>G on the plus strand (T>C on the coding strand, the complement: LTBP2 is on the minus strand). VCF-style: chr14-74505120-A-G. GRCh37 (hg19) VCF-style: chr14-74971823-A-G.
Other names: short protein forms M1411T.
Identifiers: ClinVar variation 1394208 (VCV001394208.5), dbSNP rs578210394, ClinGen allele CA7268815.